The following is an entry in ClinVar:

ClinVar aggregate classification (germline): Uncertain significance. Review status: criteria provided, multiple submitters, no conflicts (2 of 4 stars). 3 submissions from 3 submitters: Uncertain significance (2). 1 of the submissions does not count toward it. Last evaluated 2025-01-27.

Conditions:
Epilepsy, familial focal, with variable foci 4 (FFEVF4). Identifiers: MedGen C4693694, MONDO:0054776, OMIM 617935.
Inborn genetic diseases. Identifiers: MedGen C0950123, MeSH D030342.

Allele frequency attached by ClinVar (database versions not stated): gnomAD exomes below 0.00001; TOPMed below 0.00001.
gnomAD v4.1: 2 of 1,613,774 alleles (0.00012%); highest among the groups gnomAD compares: Non-Finnish European, 0.00017%; no homozygotes.

Submissions (3):

Labcorp Genetics (formerly Invitae), Labcorp
Classification: Uncertain significance. Last evaluated: 2025-01-27. Review status: criteria provided, single submitter. Criteria: Invitae Variant Classification Sherloc (09022015). Collection method: clinical testing. Allele origin: germline.
Comment: This sequence change replaces glycine, which is neutral and non-polar, with glutamic acid, which is acidic and polar, at codon 1330 of the SCN3A protein (p.Gly1330Glu). This variant is not present in population databases (gnomAD no frequency). This variant has not been reported in the literature in individuals affected with SCN3A-related conditions. ClinVar contains an entry for this variant (Variation ID: 403865). Invitae Evidence Modeling of protein sequence and biophysical properties (such as structural, functional, and spatial information, amino acid conservation, physicochemical variation, residue mobility, and thermodynamic stability) has been performed for this missense variant. However, the output from this modeling did not meet the statistical confidence thresholds required to predict the impact of this variant on SCN3A protein function. In summary, the available evidence is currently insufficient to determine the role of this variant in disease. Therefore, it has been classified as a Variant of Uncertain Significance.

Ambry Genetics
Classification: Uncertain significance for Inborn genetic diseases. Last evaluated: 2024-12-20. Review status: criteria provided, single submitter. Criteria: Ambry Variant Classification Scheme 2023. Collection method: clinical testing. Allele origin: germline.

Clinical Genomics Laboratory, Stanford Medicine
Classification: Uncertain significance for Epilepsy, familial focal, with variable foci 4. Last evaluated: 2021-02-19. Review status: no assertion criteria provided. Collection method: clinical testing. Allele origin: germline. Inheritance: Autosomal dominant inheritance. Affected: yes. Observed: 1 heterozygote. Not counted in ClinVar's aggregate classification.
Comment: The p.Gly1330Glu variant in the SCN3A gene has not been previously reported in association with disease. This variant was absent from large population databases, including the Genome Aggregation Database. The SCN3A gene has fewer missense variants in the general population than expected. A low rate of missense variation may suggest that this gene is intolerant to missense variation. Computational tools predict that the p.Gly1330Glu variant is deleterious; however, the accuracy of in silico algorithms is limited. These data were assessed using the ACMG/AMP variant interpretation guidelines. In summary, the significance of the p.Gly1330Glu variant is uncertain. [ACMG evidence codes used: PM2; PP2; PP3]

NM_006922.4(SCN3A):c.3989G>A (p.Gly1330Glu)

Gene: SCN3A (sodium voltage-gated channel alpha subunit 3; minus strand). Cytogenetic location: 2q24.3.
Variant type: single nucleotide variant.
Coding change: c.3989G>A on transcript NM_006922.4 (MANE Select); coding-DNA position 3989, G replaced by A.
Protein change: p.Gly1330Glu; replaces glycine 1330 with glutamic acid.
Molecular consequence: missense variant.
Genome position (GRCh38, 1-based): chr2:165,097,502, C>T on the plus strand (G>A on the coding strand, the complement: SCN3A is on the minus strand). VCF-style: chr2-165097502-C-T. GRCh37 (hg19) VCF-style: chr2-165954012-C-T.
Other names: p.Gly1330Glu; c.3842G>A, p.Gly1281Glu (NM_001081676.2, NM_001081677.2); short protein forms G1330E, G1281E.
Identifiers: ClinVar variation 403865 (VCV000403865.12), dbSNP rs1060500003, ClinGen allele CA16610166.